The following is an entry in ClinVar:

ClinVar aggregate classification (germline): Uncertain significance (1 of 4 stars; one submission).

Conditions:
Autosomal recessive distal spinal muscular atrophy 1. Also called: SEVERE INFANTILE AXONAL NEUROPATHY WITH RESPIRATORY FAILURE; SPINAL MUSCULAR ATROPHY, DIAPHRAGMATIC; Spinal muscular atrophy with respiratory distress 1; HMN VI; NEURONOPATHY, SEVERE INFANTILE AXONAL, WITH RESPIRATORY FAILURE; NEURONOPATHY, DISTAL HEREDITARY MOTOR, HARDING TYPE VI. Identifiers: Orphanet 98920, MedGen C1858517, MONDO:0011436, OMIM 604320.
Charcot-Marie-Tooth disease axonal type 2S. Also called: CHARCOT-MARIE-TOOTH DISEASE, AXONAL, AUTOSOMAL RECESSIVE, TYPE 2S; CHARCOT-MARIE-TOOTH NEUROPATHY, TYPE 2S. Identifiers: Orphanet 443073, MedGen C4015349, MONDO:0014511, OMIM 616155.

Submission:

Labcorp Genetics (formerly Invitae), Labcorp
Classification: Uncertain significance for Autosomal recessive distal spinal muscular atrophy 1; Charcot-Marie-Tooth disease axonal type 2S. Last evaluated: 2025-04-21. Review status: criteria provided, single submitter. Criteria: Invitae Variant Classification Sherloc (09022015). Collection method: clinical testing. Allele origin: germline.
Comment: This sequence change replaces aspartic acid, which is acidic and polar, with asparagine, which is neutral and polar, at codon 454 of the IGHMBP2 protein (p.Asp454Asn). This variant is not present in population databases (gnomAD no frequency). This variant has not been reported in the literature in individuals affected with IGHMBP2-related conditions. ClinVar contains an entry for this variant (Variation ID: 843853). Invitae Evidence Modeling of protein sequence and biophysical properties (such as structural, functional, and spatial information, amino acid conservation, physicochemical variation, residue mobility, and thermodynamic stability) indicates that this missense variant is not expected to disrupt IGHMBP2 protein function with a negative predictive value of 95%. In summary, the available evidence is currently insufficient to determine the role of this variant in disease. Therefore, it has been classified as a Variant of Uncertain Significance.

NM_002180.3(IGHMBP2):c.1360G>A (p.Asp454Asn)

Gene: IGHMBP2 (immunoglobulin mu DNA binding protein 2; plus strand). Cytogenetic location: 11q13.3.
Variant type: single nucleotide variant.
Coding change: c.1360G>A on transcript NM_002180.3 (MANE Select); coding-DNA position 1360, G replaced by A.
Protein change: p.Asp454Asn; replaces aspartic acid 454 with asparagine.
Molecular consequence: missense variant.
Genome position (GRCh38, 1-based): chr11:68,933,423, G>A. VCF-style: chr11-68933423-G-A. GRCh37 (hg19) VCF-style: chr11-68700891-G-A.
Other names: short protein forms D454N.
Identifiers: ClinVar variation 843853 (VCV000843853.10), dbSNP rs1859394402, ClinGen allele CA381649171.